The following is an entry in ClinVar:

ClinVar aggregate classification (germline): Conflicting classifications of pathogenicity. Review status: criteria provided, conflicting classifications (1 of 4 stars). 2 submissions from 2 submitters: Uncertain significance (1); Likely benign (1). Last evaluated 2024-08-12.

Conditions:
Inborn genetic diseases. Identifiers: MedGen C0950123, MeSH D030342.

Allele frequency attached by ClinVar (database versions not stated): gnomAD 0.00001; gnomAD exomes 0.00001; ExAC 0.00007.
gnomAD v4.1: 14 of 1,531,546 alleles (0.00091%); highest among the groups gnomAD compares: Middle Eastern, 0.053%; no homozygotes.

Submissions (2):

Ambry Genetics
Classification: Likely benign for Inborn genetic diseases. Last evaluated: 2024-08-12. Review status: criteria provided, single submitter. Criteria: Ambry Variant Classification Scheme 2023. Collection method: clinical testing. Allele origin: germline.

Labcorp Genetics (formerly Invitae), Labcorp
Classification: Uncertain significance. Last evaluated: 2023-12-16. Review status: criteria provided, single submitter. Criteria: Invitae Variant Classification Sherloc (09022015). Collection method: clinical testing. Allele origin: germline.
Comment: This sequence change replaces proline, which is neutral and non-polar, with leucine, which is neutral and non-polar, at codon 61 of the KCNQ4 protein (p.Pro61Leu). The frequency data for this variant in the population databases is considered unreliable, as metrics indicate poor data quality at this position in the gnomAD database. This variant has not been reported in the literature in individuals affected with KCNQ4-related conditions. Advanced modeling of protein sequence and biophysical properties (such as structural, functional, and spatial information, amino acid conservation, physicochemical variation, residue mobility, and thermodynamic stability) performed at Invitae indicates that this missense variant is not expected to disrupt KCNQ4 protein function with a negative predictive value of 80%. In summary, the available evidence is currently insufficient to determine the role of this variant in disease. Therefore, it has been classified as a Variant of Uncertain Significance.

NM_004700.4(KCNQ4):c.182C>T (p.Pro61Leu)

Gene: KCNQ4 (potassium voltage-gated channel subfamily Q member 4; plus strand). Cytogenetic location: 1p34.2.
Variant type: single nucleotide variant.
Coding change: c.182C>T on transcript NM_004700.4 (MANE Select); coding-DNA position 182, C replaced by T.
Protein change: p.Pro61Leu; replaces proline 61 with leucine.
Molecular consequence: missense variant.
Genome position (GRCh38, 1-based): chr1:40,784,275, C>T. VCF-style: chr1-40784275-C-T. GRCh37 (hg19) VCF-style: chr1-41249947-C-T.
Other names: c.182C>T (NM_004700.3); c.182C>T, p.Pro61Leu (NM_172163.3); short protein forms P61L.
Identifiers: ClinVar variation 3023196 (VCV003023196.4), dbSNP rs763627695, ClinGen allele CA794449.